The following is an entry in ClinVar:

NM_001099274.3(TINF2):c.769C>T (p.His257Tyr)

Gene: TINF2 (TERF1 interacting nuclear factor 2; minus strand). Cytogenetic location: 14q12.
Variant type: single nucleotide variant.
Coding change: c.769C>T on transcript NM_001099274.3 (MANE Select); coding-DNA position 769, C replaced by T.
Protein change: p.His257Tyr; replaces histidine 257 with tyrosine.
Molecular consequence: missense variant.
Genome position (GRCh38, 1-based): chr14:24,240,711, G>A on the plus strand (C>T on the coding strand, the complement: TINF2 is on the minus strand). VCF-style: chr14-24240711-G-A. GRCh37 (hg19) VCF-style: chr14-24709917-G-A.
Other names: c.664C>T, p.His222Tyr (NM_001363668.2); c.769C>T, p.His257Tyr (NM_012461.3); short protein forms H222Y, H257Y.
Identifiers: ClinVar variation 1935742 (VCV001935742.5), dbSNP rs2502456684, ClinGen allele CA389226535.

ClinVar aggregate classification (germline): Uncertain significance (1 of 4 stars; one submission).

Conditions:
Dyskeratosis congenita. Identifiers: Orphanet 1775, MedGen C0265965, MONDO:0015780.

Submission:

Labcorp Genetics (formerly Invitae), Labcorp
Classification: Uncertain significance for Dyskeratosis congenita. Last evaluated: 2022-09-21. Review status: criteria provided, single submitter. Criteria: Invitae Variant Classification Sherloc (09022015). Collection method: clinical testing. Allele origin: germline.
Comment: In summary, the available evidence is currently insufficient to determine the role of this variant in disease. Therefore, it has been classified as a Variant of Uncertain Significance. Algorithms developed to predict the effect of missense changes on protein structure and function (SIFT, PolyPhen-2, Align-GVGD) all suggest that this variant is likely to be tolerated. This variant has not been reported in the literature in individuals affected with TINF2-related conditions. This variant is not present in population databases (gnomAD no frequency). This sequence change replaces histidine, which is basic and polar, with tyrosine, which is neutral and polar, at codon 257 of the TINF2 protein (p.His257Tyr).